The following is an entry in ClinVar:

ClinVar aggregate classification (germline): Conflicting classifications of pathogenicity. Review status: criteria provided, conflicting classifications (1 of 4 stars). 5 submissions from 5 submitters: Uncertain significance (4); Likely benign (1). Last evaluated 2025-07-24.

Conditions:
Hereditary breast ovarian cancer syndrome. Also called: Hereditary breast and/or ovarian cancer syndrome; Hereditary breast and ovarian cancer syndrome; Hereditary breast and ovarian cancer; Hereditary breast and ovarian cancer syndrome (HBOC); Breast and ovarian cancer; BRCA1- and BRCA2-Associated Hereditary Breast and Ovarian Cancer. Identifiers: Orphanet 145, MedGen C0677776, MeSH D061325, MONDO:0003582. Disease mechanism: loss of function.
Breast-ovarian cancer, familial, susceptibility to, 2 (BROVCA2). Also called: BRCA2 Hereditary Breast and Ovarian Cancer. Identifiers: Orphanet 145, MedGen C2675520, MONDO:0012933, OMIM 612555. Disease mechanism: loss of function.
Hereditary cancer-predisposing syndrome. Also called: Neoplastic Syndromes, Hereditary; Tumor predisposition; Hereditary Cancer Syndrome; Hereditary neoplastic syndrome. Identifiers: Orphanet 140162, MedGen C0027672, MeSH D009386, MONDO:0015356.

Allele frequency attached by ClinVar (database versions not stated): gnomAD exomes below 0.00001; TOPMed below 0.00001; ExAC 0.00001; gnomAD 0.00001.
gnomAD v4.1: 5 of 1,604,810 alleles (0.00031%); highest among the groups gnomAD compares: African/African-American, 0.004%; no homozygotes.

Submissions (5):

Ambry Genetics
Classification: Uncertain significance for Hereditary cancer-predisposing syndrome. Last evaluated: 2025-07-24. Review status: criteria provided, single submitter. Criteria: Ambry Variant Classification Scheme 2023. Collection method: clinical testing. Allele origin: germline.
Comment: The p.S273L variant (also known as c.818C>T), located in coding exon 9 of the BRCA2 gene, results from a C to T substitution at nucleotide position 818. The serine at codon 273 is replaced by leucine, an amino acid with dissimilar properties. This amino acid position is not well conserved in available vertebrate species. This alteration was previously reported in at least one individual from a cohort of 278 BRCA1/2-negative individuals with early-onset breast cancer via multiplex panel testing of 22 cancer susceptibility genes (Maxwell KN et al. Genet. Med. 2015 Aug;17:630-8). In addition, this alteration is predicted to be tolerated by in silico analysis. Since supporting evidence is limited at this time, the clinical significance of this alteration remains unclear.

Labcorp Genetics (formerly Invitae), Labcorp
Classification: Uncertain significance for Hereditary breast ovarian cancer syndrome. Last evaluated: 2024-03-21. Review status: criteria provided, single submitter. Criteria: Invitae Variant Classification Sherloc (09022015). Collection method: clinical testing. Allele origin: germline.
Comment: This sequence change replaces serine, which is neutral and polar, with leucine, which is neutral and non-polar, at codon 273 of the BRCA2 protein (p.Ser273Leu). This variant is present in population databases (rs80359068, gnomAD 0.007%). This missense change has been observed in individual(s) with breast cancer (PMID: 33646313). ClinVar contains an entry for this variant (Variation ID: 566428). Advanced modeling of protein sequence and biophysical properties (such as structural, functional, and spatial information, amino acid conservation, physicochemical variation, residue mobility, and thermodynamic stability) performed at Invitae indicates that this missense variant is not expected to disrupt BRCA2 protein function with a negative predictive value of 95%. In summary, the available evidence is currently insufficient to determine the role of this variant in disease. Therefore, it has been classified as a Variant of Uncertain Significance.

All of Us Research Program, National Institutes of Health
Classification: Uncertain significance for Breast-ovarian cancer, familial, susceptibility to, 2. Last evaluated: 2023-05-16. Review status: criteria provided, single submitter. Criteria: ACMG Guidelines, 2015. Collection method: clinical testing. Allele origin: germline. Inheritance: Autosomal dominant inheritance. Observed: 1 variant allele, 1 heterozygote.
Comment: This missense variant replaces serine with leucine at codon 273 of the BRCA2 protein. Computational prediction suggests that this variant may not impact protein structure and function (internally defined REVEL score threshold <= 0.5, PMID: 27666373). A functional study has shown this variant impacts suppression and repair of ssDNA gaps, but does not impact homology-directed DNA repair or increase sensitivity to PARP inhibitors (PMID: 36707518). This variant has been reported in at least one individual affected with breast cancer (PMID: 25503501). This variant has been identified in 1/244264 chromosomes in the general population by the Genome Aggregation Database (gnomAD). The available evidence is insufficient to determine the role of this variant in disease conclusively. Therefore, this variant is classified as a Variant of Uncertain Significance.

This study involves interpretation of variants in research participants for the purpose of population health screening. Participant phenotype was not available at the time of variant classification. Additional details can be found in publication PMID: 35346344, PMCID: PMC8962531

Quest Diagnostics Nichols Institute San Juan Capistrano
Classification: Uncertain significance. Last evaluated: 2023-05-04. Review status: criteria provided, single submitter. Criteria: Quest Diagnostics criteria. Collection method: clinical testing. Allele origin: unknown.
Comment: The frequency of this variant in the general population, 0.0000041 (1/244264 chromosomes), is uninformative in assessment of its pathogenicity. A functional study showed inconclusive results regarding the variant's impact on protein function (PMID: 36707518 (2023)). In the published literature, the variant has been reported in an individual with early onset breast cancer (PMID: 25503501 (2015)). Analysis of this variant using bioinformatics tools for the prediction of the effect of amino acid changes on protein structure and function yielded predictions that this variant is benign. Based on the available information, we are unable to determine the clinical significance of this variant.

University of Washington Department of Laboratory Medicine, University of Washington
Classification: Likely benign for Hereditary cancer-predisposing syndrome. Last evaluated: 2023-03-23. Review status: criteria provided, single submitter. Criteria: Dines et al. (Genet Med. 2020). Collection method: curation. Allele origin: germline.
Comment: Missense variant in a coldspot region where missense variants are very unlikely to be pathogenic (PMID:31911673).

BRCA2 exon 10 coldspot. Reclassification based on statistical prior probability.

Literature cited by the submitters: PubMed 25503501 (cited by 3 submitters); PubMed 33646313 (cited by Labcorp Genetics (formerly Invitae), Labcorp); PubMed 36707518 (cited by All of Us Research Program, National Institutes of Health and Quest Diagnostics Nichols Institute San Juan Capistrano); PubMed 31911673 (cited by Quest Diagnostics Nichols Institute San Juan Capistrano).

NM_000059.4(BRCA2):c.818C>T (p.Ser273Leu)

Gene: BRCA2 (BRCA2 DNA repair associated; plus strand). Cytogenetic location: 13q13.1.
Variant type: single nucleotide variant.
Coding change: c.818C>T on transcript NM_000059.4 (MANE Select); coding-DNA position 818, C replaced by T.
Protein change: p.Ser273Leu; replaces serine 273 with leucine.
Molecular consequence: missense variant.
Genome position (GRCh38, 1-based): chr13:32,332,296, C>T. VCF-style: chr13-32332296-C-T. GRCh37 (hg19) VCF-style: chr13-32906433-C-T.
Other names: short protein forms S273L.
Identifiers: ClinVar variation 566428 (VCV000566428.16), dbSNP rs80359068, ClinGen allele CA6940467.
Genomic context (GRCh38, chr13:32,332,296, plus strand): 5'-AAAATATTAATGTGCTTCTGTTTTATACTTTAACAGGATTTGGAAAAACATCAGGGAATT[C>T]ATTTAAAGTAAATAGCTGCAAAGACCACATTGGAAAGTCAATGCCAAATGTCCTAGAAGA-3'
Protein context (NP_000050.3, residues 263-283): SHGFGKTSGN[Ser273Leu]FKVNSCKDHI